The following is an entry in ClinVar:

ClinVar aggregate classification (germline): Likely pathogenic (1 of 4 stars; one submission).

Conditions:
Primary ciliary dyskinesia. Also called: Ciliary dyskinesia. Identifiers: Orphanet 244, MedGen C0008780, MONDO:0016575, HP:0012265.

Submission:

Labcorp Genetics (formerly Invitae), Labcorp
Classification: Likely pathogenic for Primary ciliary dyskinesia. Last evaluated: 2020-12-23. Review status: criteria provided, single submitter. Criteria: Invitae Variant Classification Sherloc (09022015). Collection method: clinical testing. Allele origin: germline.
Comment: In summary, the currently available evidence indicates that the variant is pathogenic, but additional data are needed to prove that conclusively. Therefore, this variant has been classified as Likely Pathogenic. This variant disrupts the p.Ala538 amino acid residue in DNAI1. Other variant(s) that disrupt this residue have been determined to be pathogenic (PMID: 16858015, 21143860). This suggests that this residue is clinically significant, and that variants that disrupt this residue are likely to be disease-causing. Advanced modeling of protein sequence and biophysical properties (such as structural, functional, and spatial information, amino acid conservation, physicochemical variation, residue mobility, and thermodynamic stability) performed at Invitae indicates that this missense variant is expected to disrupt DNAI1 protein function. This variant has not been reported in the literature in individuals with DNAI1-related conditions. This variant is not present in population databases (ExAC no frequency). This sequence change replaces alanine with valine at codon 538 of the DNAI1 protein (p.Ala538Val). The alanine residue is highly conserved and there is a small physicochemical difference between alanine and valine.

Literature cited by the submitters: PubMed 16858015; PubMed 21143860.

NM_012144.4(DNAI1):c.1613C>T (p.Ala538Val)

Gene: DNAI1 (dynein axonemal intermediate chain 1; plus strand). Cytogenetic location: 9p13.3.
Variant type: single nucleotide variant.
Coding change: c.1613C>T on transcript NM_012144.4 (MANE Select); coding-DNA position 1613, C replaced by T.
Protein change: p.Ala538Val; replaces alanine 538 with valine.
Molecular consequence: missense variant.
Genome position (GRCh38, 1-based): chr9:34,514,437, C>T. VCF-style: chr9-34514437-C-T. GRCh37 (hg19) VCF-style: chr9-34514435-C-T.
Other names: c.1625C>T, p.Ala542Val (NM_001281428.2); short protein forms A542V, A538V.
Identifiers: ClinVar variation 1481187 (VCV001481187.8), dbSNP rs2132083804, ClinGen allele CA373263299.
Genomic context (GRCh38, chr9:34,514,437, plus strand): 5'-GTTCCCTCCCCGACCAGTGCTCTAAATCCTACTCCAGCCAATTCCTCGACACCTATGACG[C>T]CCACAACATGTCAGTGGACACTGTGTCCTGGAACCCATACCACACCAAGGTCTTCATGTC-3'
Protein context (NP_036276.1, residues 528-548): YSSQFLDTYD[Ala538Val]HNMSVDTVSW